The following is an entry in ClinVar:

NM_003482.4(KMT2D):c.4641C>T (p.Ala1547=)

Gene: KMT2D (lysine methyltransferase 2D; minus strand). Cytogenetic location: 12q13.12.
Variant type: single nucleotide variant.
Coding change: c.4641C>T on transcript NM_003482.4 (MANE Select); coding-DNA position 4641, C replaced by T.
Protein change: p.Ala1547=; no amino-acid change (alanine 1547 retained).
Molecular consequence: synonymous variant.
Genome position (GRCh38, 1-based): chr12:49,046,117, G>A on the plus strand (C>T on the coding strand, the complement: KMT2D is on the minus strand). VCF-style: chr12-49046117-G-A. GRCh37 (hg19) VCF-style: chr12-49439900-G-A.
Other names: c.4641C>T (NM_003482.3).
Identifiers: ClinVar variation 1642877 (VCV001642877.10), dbSNP rs377048725, ClinGen allele CA6547775.

ClinVar aggregate classification (germline): Likely benign. Review status: criteria provided, single submitter (1 of 4 stars). 2 submissions from 2 submitters: Likely benign (1). 1 of the submissions does not count toward it. Last evaluated 2025-10-28.

Conditions:
Kabuki syndrome. Also called: Kabuki make-up syndrome; NIIKAWA-KUROKI SYNDROME. Identifiers: Orphanet 2322, MedGen C0796004, MONDO:0016512.
KMT2D-related disorder. Also called: KMT2D-Related Disorders.

Allele frequency attached by ClinVar (database versions not stated): gnomAD 0.00008 and 0.00009; TOPMed 0.00012; ESP Exome Variant Server 0.00016.
gnomAD v4.1: 64 of 1,610,746 alleles (0.004%); highest among the groups gnomAD compares: African/African-American, 0.028%; no homozygotes.

Submissions (2):

Labcorp Genetics (formerly Invitae), Labcorp
Classification: Likely benign for Kabuki syndrome. Last evaluated: 2025-10-28. Review status: criteria provided, single submitter. Criteria: Invitae Variant Classification Sherloc (09022015). Collection method: clinical testing. Allele origin: germline.

PreventionGenetics, part of Exact Sciences
Classification: Likely benign for KMT2D-related condition. Last evaluated: 2021-03-17. Review status: no assertion criteria provided. Collection method: clinical testing. Allele origin: germline. Not counted in ClinVar's aggregate classification.
Comment: This variant is classified as likely benign based on ACMG/AMP sequence variant interpretation guidelines (Richards et al. 2015 PMID: 25741868, with internal and published modifications).